The following is an entry in ClinVar:

ClinVar aggregate classification (germline): Benign/Likely benign. Review status: criteria provided, multiple submitters, no conflicts (2 of 4 stars). 11 submissions from 11 submitters: Benign (7); Likely benign (1). 3 of the submissions do not count toward it. Last evaluated 2026-03-27.

Conditions:
Cardiovascular phenotype. Identifiers: MedGen CN230736.
ALPK3-related disorder. Also called: ALPK3-related condition.

Allele frequency attached by ClinVar (database versions not stated): 1000 Genomes Project 30x 0.13554; 1000 Genomes Project 0.13638; TOPMed 0.18219; gnomAD 0.19063 and 0.19072; ESP Exome Variant Server 0.19848; gnomAD exomes 0.21833 and 0.25061; ExAC 0.22023.
gnomAD v4.1: 394,620 of 1,613,744 alleles (24%); highest among the groups gnomAD compares: Middle Eastern, 38%; 51,654 homozygotes.

Submissions (11):

Molecular Diagnostic Laboratory for Inherited Cardiovascular Disease, Montreal Heart Institute
Classification: Benign. Last evaluated: 2026-03-27. Review status: criteria provided, single submitter. Criteria: ACMG Guidelines, 2015. Collection method: clinical testing. Allele origin: germline. Affected: no.

Labcorp Genetics (formerly Invitae), Labcorp
Classification: Benign. Last evaluated: 2026-02-04. Review status: criteria provided, single submitter. Criteria: Invitae Variant Classification Sherloc (09022015). Collection method: clinical testing. Allele origin: germline.

Blueprint Genetics
Classification: Benign. Last evaluated: 2024-11-27. Review status: criteria provided, single submitter. Criteria: ACMG Guidelines, 2015. Collection method: clinical testing. Allele origin: germline.

Women's Health and Genetics/Laboratory Corporation of America, LabCorp
Classification: Likely benign. Last evaluated: 2023-04-04. Review status: criteria provided, single submitter. Criteria: LabCorp Variant Classification Summary - May 2015. Collection method: clinical testing. Allele origin: germline.

Mayo Clinic Laboratories, Mayo Clinic
Classification: Benign. Last evaluated: 2023-01-12. Review status: criteria provided, single submitter. Criteria: ACMG Guidelines, 2015. Collection method: clinical testing. Allele origin: germline. Observed: 372 variant alleles.
Comment: BA1

Ambry Genetics
Classification: Benign for Cardiovascular phenotype. Last evaluated: 2018-12-04. Review status: criteria provided, single submitter. Criteria: Ambry Variant Classification Scheme 2023. Collection method: clinical testing. Allele origin: germline.

GeneDx
Classification: Benign. Last evaluated: 2016-09-23. Review status: criteria provided, single submitter. Criteria: GeneDx Variant Classification (06012015). Collection method: clinical testing. Allele origin: germline. Affected: yes.
Comment: This variant is considered likely benign or benign based on one or more of the following criteria: it is a conservative change, it occurs at a poorly conserved position in the protein, it is predicted to be benign by multiple in silico algorithms, and/or has population frequency not consistent with disease.

Breakthrough Genomics
Classification: Benign. Review status: criteria provided, single submitter. Criteria: ACMG Guidelines, 2015. Collection method: not provided. Allele origin: germline. Inheritance: Autosomal recessive inheritance. Affected: yes.

PreventionGenetics, part of Exact Sciences
Classification: Benign for ALPK3-related condition. Last evaluated: 2019-09-18. Review status: no assertion criteria provided. Collection method: clinical testing. Allele origin: germline. Not counted in ClinVar's aggregate classification.
Comment: This variant is classified as benign based on ACMG/AMP sequence variant interpretation guidelines (Richards et al. 2015 PMID: 25741868, with internal and published modifications).

Clinical Genetics DNA and cytogenetics Diagnostics Lab, Erasmus MC, Erasmus Medical Center
Classification: Benign. Review status: no assertion criteria provided. Collection method: clinical testing. Allele origin: germline. Affected: yes. Study: VKGL Data-share Consensus. Not counted in ClinVar's aggregate classification.

Clinical Genetics, Academic Medical Center
Classification: Benign. Review status: no assertion criteria provided. Collection method: clinical testing. Allele origin: germline. Affected: yes. Study: VKGL Data-share Consensus. Not counted in ClinVar's aggregate classification.

NM_020778.5(ALPK3):c.635C>G (p.Thr212Ser)

Gene: ALPK3 (alpha kinase 3; plus strand). Cytogenetic location: 15q25.3.
Variant type: single nucleotide variant.
Coding change: c.635C>G on transcript NM_020778.5 (MANE Select); coding-DNA position 635, C replaced by G.
Protein change: p.Thr212Ser; replaces threonine 212 with serine.
Molecular consequence: missense variant.
Genome position (GRCh38, 1-based): chr15:84,839,914, C>G. VCF-style: chr15-84839914-C-G. GRCh37 (hg19) VCF-style: chr15-85383145-C-G.
Other names: p.Thr414Ser; short protein forms T414S, T212S.
Identifiers: ClinVar variation 382154 (VCV000382154.20), dbSNP rs3803403, ClinGen allele CA7709022.